The following is an entry in ClinVar:

ClinVar aggregate classification (germline): Likely benign. Review status: criteria provided, multiple submitters, no conflicts (2 of 4 stars). 2 submissions from 2 submitters: Likely benign (2). Last evaluated 2026-01-20.

Conditions:
Muscular dystrophy-dystroglycanopathy type B6 (MDDGB6). Also called: MUSCULAR DYSTROPHY-DYSTROGLYCANOPATHY (CONGENITAL WITH IMPAIRED INTELLECTUAL DEVELOPMENT), TYPE B, 6; MUSCULAR DYSTROPHY, CONGENITAL, LARGE-RELATED; MUSCULAR DYSTROPHY, CONGENITAL, TYPE 1D. Identifiers: MedGen C1837229, MONDO:0012138, OMIM 608840.

Allele frequency attached by ClinVar (database versions not stated): gnomAD exomes 0.00001 and 0.00002; ExAC 0.00002.
gnomAD v4.1: 39 of 1,614,068 alleles (0.0024%); highest among the groups gnomAD compares: Admixed American, 0.0033%; no homozygotes.

Submissions (2):

Labcorp Genetics (formerly Invitae), Labcorp
Classification: Likely benign for Muscular dystrophy-dystroglycanopathy type B6. Last evaluated: 2026-01-20. Review status: criteria provided, single submitter. Criteria: Invitae Variant Classification Sherloc (09022015). Collection method: clinical testing. Allele origin: germline.

CeGaT Center for Human Genetics Tuebingen
Classification: Likely benign. Last evaluated: 2025-04-01. Review status: criteria provided, single submitter. Criteria: CeGaT Center For Human Genetics Tuebingen Variant Classification Criteria Version 2. Collection method: clinical testing. Allele origin: germline. Affected: yes. Observed: 1 variant allele.
Comment: LARGE1: BP4, BP7

NM_133642.5(LARGE1):c.459C>T (p.Val153=)

Gene: LARGE1 (LARGE xylosyl- and glucuronyltransferase 1; minus strand). Cytogenetic location: 22q12.3.
Variant type: single nucleotide variant.
Coding change: c.459C>T on transcript NM_133642.5 (MANE Select); coding-DNA position 459, C replaced by T.
Protein change: p.Val153=; no amino-acid change (valine 153 retained).
Molecular consequence: synonymous variant.
Genome position (GRCh38, 1-based): chr22:33,626,276, G>A on the plus strand (C>T on the coding strand, the complement: LARGE1 is on the minus strand). VCF-style: chr22-33626276-G-A. GRCh37 (hg19) VCF-style: chr22-34022260-G-A.
Other names: c.459C>T, p.Val153= (NM_001362949.2, NM_001362951.2, NM_001362953.2 and 7 more transcripts).
Identifiers: ClinVar variation 1594792 (VCV001594792.15), dbSNP rs199822331, ClinGen allele CA10203039.
Genomic context (GRCh38, chr22:33,626,276, plus strand): 5'-GCCCACACAGCACAGAAGTTGTTCTTACCTATGGAACAGGACGGATTTGACCAGGGTGAC[G>A]ACATCCCGGCTGGCATTGTATCCGGCGCAGACAATAGCAACGTGGATTGTCTGGGAAGAA-3'
Protein context (NP_598397.1, residues 143-163): VCAGYNASRD[Val153=]VTLVKSVLFH